The following is an entry in ClinVar:

NM_024675.4(PALB2):c.2840T>C (p.Leu947Ser)

Gene: PALB2 (partner and localizer of BRCA2; minus strand). Cytogenetic location: 16p12.2.
Variant type: single nucleotide variant.
Coding change: c.2840T>C on transcript NM_024675.4 (MANE Select); coding-DNA position 2840, T replaced by C.
Protein change: p.Leu947Ser; replaces leucine 947 with serine.
Molecular consequence: missense variant.
Genome position (GRCh38, 1-based): chr16:23,623,125, A>G on the plus strand (T>C on the coding strand, the complement: PALB2 is on the minus strand). VCF-style: chr16-23623125-A-G. GRCh37 (hg19) VCF-style: chr16-23634446-A-G.
Other names: short protein forms L947S.
Identifiers: ClinVar variation 241553 (VCV000241553.35), dbSNP rs45464500, ClinGen allele CA7963465.

ClinVar aggregate classification (germline): Conflicting classifications of pathogenicity. Review status: criteria provided, conflicting classifications (1 of 4 stars). 11 submissions from 11 submitters: Uncertain significance (9); Likely benign (2). Last evaluated 2026-08-31.

Conditions:
Pancreatic cancer, susceptibility to, 3. Identifiers: Orphanet 1333, MedGen C3150547, MONDO:0013236, OMIM 613348.
Fanconi anemia complementation group N. Also called: PALB2-Related Fanconi Anemia. Identifiers: Orphanet 84, MedGen C1835817, MONDO:0012565, OMIM 610832. Disease mechanism: loss of function.
Breast-ovarian cancer, familial, susceptibility to, 5 (BROVCA5). Identifiers: MedGen C5830615, MONDO:0957530, OMIM 620442.
Inherited breast cancer and ovarian cancer.
PALB2-related disorder. Also called: PALB2-related condition; PALB2-related disorders.
Hereditary cancer-predisposing syndrome. Also called: Neoplastic Syndromes, Hereditary; Hereditary neoplastic syndrome; Hereditary Cancer Syndrome; Tumor predisposition. Identifiers: Orphanet 140162, MedGen C0027672, MeSH D009386, MONDO:0015356.
Familial cancer of breast. Also called: BREAST CANCER, FAMILIAL; Hereditary breast cancer; hereditary breast carcinoma. Identifiers: Orphanet 227535, MedGen C0346153, MONDO:0016419, OMIM 114480. Disease mechanism: loss of function.

Allele frequency attached by ClinVar (database versions not stated): gnomAD 0.00002; TOPMed 0.00002; gnomAD exomes 0.00003 and 0.00005; ExAC 0.00004; ESP Exome Variant Server 0.00008.
gnomAD v4.1: 75 of 1,613,574 alleles (0.0046%); highest among the groups gnomAD compares: Non-Finnish European, 0.0061%; no homozygotes.

Submissions (11):

PreventionGenetics, part of Exact Sciences
Classification: Uncertain significance for PALB2-related condition. Last evaluated: 2026-08-31. Review status: criteria provided, single submitter. Criteria: ACMG Guidelines, 2015. Collection method: clinical testing. Allele origin: germline.
Comment: The PALB2 c.2840T>C variant is predicted to result in the amino acid substitution p.Leu947Ser. This variant has also been reported in an individual with ductal carcinoma in situ of the breast who also harbored a pathogenic deletion in the ATM gene (Carbajal-Mamani et al. 2020. PubMed ID: 32206661) and in an individual with prostate cancer (Supp. Table 3, de Oliveira et al. 2022. PubMed ID: 35534704). Experimental studies are conflicting regarding whether this variant impacts PALB2 function (Boonen et al. 2019. PubMed ID: 31757951; Rodrigue et al. 2019. PubMed ID: 31586400; Wiltshire et al. 2019. PubMed ID: 31636395). This variant is reported in 0.0062% of alleles in individuals of European (Non-Finnish) descent in gnomAD and has conflicting interpretations of pathogenicity in ClinVar ranging from uncertain significance to likely benign (Variation ID: 241553). At this time, the clinical significance of this variant is uncertain due to the absence of conclusive functional and genetic evidence.

Labcorp Genetics (formerly Invitae), Labcorp
Classification: Uncertain significance for Familial cancer of breast. Last evaluated: 2026-01-19. Review status: criteria provided, single submitter. Criteria: Invitae Variant Classification Sherloc (09022015). Collection method: clinical testing. Allele origin: germline.
Comment: This sequence change replaces leucine, which is neutral and non-polar, with serine, which is neutral and polar, at codon 947 of the PALB2 protein (p.Leu947Ser). This variant is present in population databases (rs45464500, gnomAD 0.006%). This missense change has been observed in individual(s) with pancreatic cancer, breast cancer, or prostate cancer (PMID: 28767289, 32206661, 32659497, 35534704). ClinVar contains an entry for this variant (Variation ID: 241553). Invitae Evidence Modeling of protein sequence and biophysical properties (such as structural, functional, and spatial information, amino acid conservation, physicochemical variation, residue mobility, and thermodynamic stability) indicates that this missense variant is expected to disrupt PALB2 protein function with a positive predictive value of 80%. Experimental studies are conflicting or provide insufficient evidence to determine the effect of this variant on PALB2 function (PMID: 31586400, 31636395, 31757951). In summary, the available evidence is currently insufficient to determine the role of this variant in disease. Therefore, it has been classified as a Variant of Uncertain Significance.

Color Diagnostics, LLC DBA Color Health
Classification: Uncertain significance for Hereditary cancer-predisposing syndrome. Last evaluated: 2025-11-06. Review status: criteria provided, single submitter. Criteria: ACMG Guidelines, 2015. Collection method: clinical testing. Allele origin: germline.
Comment: This missense variant replaces leucine with serine at codon 947 of the PALB2 protein. Computational prediction suggests that this variant may not impact protein structure and function. Functional studies have found that this variant partially impacts PALB2 activities in homology-directed DNA repair, PARP inhibitor sensitivity, damage-induced RAD51 foci formation, PALB2 nuclear localization and BRCA2 interaction (PMID: 31586400, 31757951, 31636395). This variant has been detected in a breast cancer case-control meta-analysis in 5/60466 cases and 4/53461 unaffected individuals (PMID: 33471991Leiden Open Variation Database DB-ID PALB2_010687). This variant has been reported in one individual each affected with pancreatic cancer or prostate cancer (PMID: 32659497, 35534704). This variant has been detected in one individual each affected with pancreatic or ovarian cancer who also carries a pathogenic ATM covariant (PMID: 28767289, 32206661). This variant also has been detected in 2 individuals older than age 70 years who have never had cancer (FLOSSIES database). This variant has been identified in 75/1613574 chromosomes in the general population by the Genome Aggregation Database (gnomAD v4). Although there is a suspicion that this variant may not be associated with disease, additional clinical studies are necessary to determine the role of this variant in disease conclusively. Therefore, this variant is classified as a Variant of Uncertain Significance.

Ambry Genetics
Classification: Likely benign for Hereditary cancer-predisposing syndrome. Last evaluated: 2025-08-08. Review status: criteria provided, single submitter. Criteria: Ambry Variant Classification Scheme 2023. Collection method: clinical testing. Allele origin: germline.

Women's Health and Genetics/Laboratory Corporation of America, LabCorp
Classification: Uncertain significance. Last evaluated: 2025-02-04. Review status: criteria provided, single submitter. Criteria: LabCorp Variant Classification Summary - May 2015. Collection method: clinical testing. Allele origin: germline.
Comment: Variant summary: PALB2 c.2840T>C (p.Leu947Ser) results in a non-conservative amino acid change located in the Partner and localizer of BRCA2 WD40 domain (IPR031920) of the encoded protein sequence. Three of five in-silico tools predict a damaging effect of the variant on protein function. The variant allele was found at a frequency of 2.8e-05 in 251104 control chromosomes. The available data on variant occurrences in the general population are insufficient to allow any conclusion about variant significance. c.2840T>C has been reported in the literature in individuals affected with Hereditary Breast And Ovarian Cancer Syndrome (Carbajal-Mamani_2020). These report(s) do not provide unequivocal conclusions about association of the variant with Hereditary Breast And Ovarian Cancer Syndrome. Two publications report experimental evidence evaluating an impact on protein function, however, do not allow convincing conclusions about the variant effect (Boonan_2019, Rodrigue_2019). The following publications have been ascertained in the context of this evaluation (PMID: 17200668, 31757951, 32206661, 31586400). ClinVar contains an entry for this variant (Variation ID: 241553). Based on the evidence outlined above, the variant was classified as uncertain significance.

Genomics and Molecular Medicine Service, East Genomic Laboratory Hub, NHS Genomic Medicine Service
Classification: Uncertain significance for Inherited breast cancer and ovarian cancer. Last evaluated: 2024-09-17. Review status: criteria provided, single submitter. Criteria: ACGS Best Practice Guidelines for Variant Classification in Rare Disease 2020. Collection method: clinical testing. Allele origin: germline. Affected: yes.
Comment: BP1

Myriad Genetics, Inc.
Classification: Likely benign for Familial cancer of breast. Last evaluated: 2024-06-20. Review status: criteria provided, single submitter. Criteria: Myriad Autosomal Dominant, Autosomal Recessive and X-Linked Classification Criteria (2023). Collection method: clinical testing. Allele origin: unknown.
Comment: This variant is considered likely benign. This variant is strongly associated with less severe personal and family histories of cancer, typical for individuals without pathogenic variants in this gene [PMID: 25085752].

Baylor Genetics
Classification: Uncertain significance for Familial cancer of breast. Last evaluated: 2024-03-29. Review status: criteria provided, single submitter. Criteria: ACMG Guidelines, 2015. Collection method: clinical testing. Allele origin: unknown.

Quest Diagnostics Nichols Institute San Juan Capistrano
Classification: Uncertain significance. Last evaluated: 2024-03-15. Review status: criteria provided, single submitter. Criteria: Quest Diagnostics criteria. Collection method: clinical testing. Allele origin: unknown.
Comment: The PALB2 c.2840T>C (p.Leu947Ser) variant has been reported in the published literature in individuals affected with pancreatic ductal adenocarcinoma (PMIDs: 32659497 (2020), 28767289 (2017)), breast cancer (PMIDs: 35585550 (2022), 32206661 (2020)), as well as in reportedly healthy individuals (PMIDs: 35585550 (2022), 17200668 (2007)). Published functional studies have reported inconclusive results on the effect this variant on protein function (PMIDs: 31636395 (2020), 31586400 (2019), 31757951 (2019)). The frequency of this variant in the general population, 0.000062 (7/113554 chromosomes (Genome Aggregation Database)), is uninformative in the assessment of its pathogenicity. Analysis of this variant using bioinformatics tools for the prediction of the effect of amino acid changes on protein structure and function yielded predictions that this variant is damaging. Based on the available information, we are unable to determine the clinical significance of this variant.

GeneDx
Classification: Uncertain significance. Last evaluated: 2024-02-07. Review status: criteria provided, single submitter. Criteria: GeneDx Variant Classification Process June 2021. Collection method: clinical testing. Allele origin: germline. Affected: yes.
Comment: In silico analysis supports that this missense variant has a deleterious effect on protein structure/function; This variant is associated with the following publications: (PMID: 28779002, 28767289, 31586400, 31757951, 31636395, 32209438, 32185139, 32206661, 33195396, 34092963, 33169439, 17200668, 32659497, 24485656, 19609323, 20871615, 35534704)

Fulgent Genetics
Classification: Uncertain significance for Fanconi anemia complementation group N; Pancreatic cancer, susceptibility to, 3; Breast-ovarian cancer, familial, susceptibility to, 5. Last evaluated: 2024-01-24. Review status: criteria provided, single submitter. Criteria: ACMG Guidelines, 2015. Collection method: clinical testing. Allele origin: germline.

Literature cited by the submitters: PubMed 28767289 (cited by 4 submitters); PubMed 32206661 (cited by 5 submitters); PubMed 32659497 (cited by 4 submitters); PubMed 35534704 (cited by Labcorp Genetics (formerly Invitae), Labcorp and Color Diagnostics, LLC DBA Color Health); PubMed 31586400 (cited by 5 submitters); PubMed 31636395 (cited by 4 submitters); PubMed 31757951 (cited by 5 submitters); PubMed 33471991 (cited by Color Diagnostics, LLC DBA Color Health); PubMed 17200668 (cited by 3 submitters); PubMed 28779002 (cited by Ambry Genetics and Quest Diagnostics Nichols Institute San Juan Capistrano); PubMed 32185139 (cited by Ambry Genetics); PubMed 25085752 (cited by Myriad Genetics, Inc.); PubMed 35585550 (cited by Quest Diagnostics Nichols Institute San Juan Capistrano); PubMed 38153744 (cited by Quest Diagnostics Nichols Institute San Juan Capistrano).